The following is an entry in ClinVar:

ClinVar aggregate classification (germline): Pathogenic (1 of 4 stars; one submission).

Allele frequency attached by ClinVar (database versions not stated): gnomAD exomes 0.00001.
gnomAD v4.1: 3 of 1,613,956 alleles (0.00019%); highest among the groups gnomAD compares: Non-Finnish European, 0.00025%; no homozygotes.

Submission:

Labcorp Genetics (formerly Invitae), Labcorp
Classification: Pathogenic. Last evaluated: 2021-02-17. Review status: criteria provided, single submitter. Criteria: Invitae Variant Classification Sherloc (09022015). Collection method: clinical testing. Allele origin: germline.
Comment: This sequence change creates a premature translational stop signal (p.Gln2054*) in the CEP250 gene. It is expected to result in an absent or disrupted protein product. Loss-of-function variants in CEP250 are known to be pathogenic (PMID: 24780881, 29718797). This variant is not present in population databases (ExAC no frequency). This variant has not been reported in the literature in individuals with CEP250-related conditions. For these reasons, this variant has been classified as Pathogenic.

Literature cited by the submitters: PubMed 24780881; PubMed 29718797.

NM_007186.6(CEP250):c.6160C>T (p.Gln2054Ter)

Gene: CEP250 (centrosomal protein 250; plus strand). Cytogenetic location: 20q11.22.
Variant type: single nucleotide variant.
Coding change: c.6160C>T on transcript NM_007186.6 (MANE Select); coding-DNA position 6160, C replaced by T.
Protein change: p.Gln2054Ter; replaces glutamine 2054 with a stop codon.
Molecular consequence: nonsense.
Genome position (GRCh38, 1-based): chr20:35,504,529, C>T. VCF-style: chr20-35504529-C-T. GRCh37 (hg19) VCF-style: chr20-34092357-C-T.
Other names: c.4264C>T, p.Gln1422Ter (NM_001318219.1); short protein forms Q1422*, Q2054*.
Identifiers: ClinVar variation 1408427 (VCV001408427.6), dbSNP rs2147174157, ClinGen allele CA408756236.